The following is an entry in ClinVar:

ClinVar aggregate classification (germline): Uncertain significance (1 of 4 stars; one submission).

Conditions:
Cardiovascular phenotype. Identifiers: MedGen CN230736.

Submissions (2):

Ambry Genetics
Classification: Uncertain significance for Cardiovascular phenotype. Last evaluated: 2020-03-03. Review status: criteria provided, single submitter. Criteria: Ambry Variant Classification Scheme 2023. Collection method: clinical testing. Allele origin: germline.
Comment: The p.V47A variant (also known as c.140T>C), located in coding exon 1 of the KCNE1 gene, results from a T to C substitution at nucleotide position 140. The valine at codon 47 is replaced by alanine, an amino acid with similar properties. An alternate amino acid substitution at this codon, p.V47F, was reported in a compound heterozygous case with prolonged QTc and bilateral hearing loss, who also had an additional KCNE1 variant detected in trans; This amino acid position is poorly conserved in available vertebrate species. In addition, the in silico prediction for this alteration is inconclusive. Since supporting evidence is limited at this time, the clinical significance of this alteration remains unclear.

Roden Lab, Vanderbilt University Medical Center
No classification provided (evidence only). Condition: Long QT syndrome 5. Review status: no classification provided. Collection method: in vitro. Allele origin: not applicable. Functional consequence: Effect on ion channel function. Not counted in ClinVar's aggregate classification.
ClinVar note: "not provided" was previously submitted as the classification for the variant. However, the classification appeared to be based only on an observation of functional data so it was converted to no classification on 2025-07-30.

Literature cited by the submitters: PubMed 10400998 (cited by Ambry Genetics).

NM_000219.6(KCNE1):c.140T>C (p.Val47Ala)

Gene: KCNE1 (potassium voltage-gated channel subfamily E regulatory subunit 1; minus strand). Cytogenetic location: 21q22.12.
Variant type: single nucleotide variant.
Coding change: c.140T>C on transcript NM_000219.6 (MANE Select); coding-DNA position 140, T replaced by C.
Protein change: p.Val47Ala; replaces valine 47 with alanine.
Molecular consequence: missense variant.
Genome position (GRCh38, 1-based): chr21:34,449,495, A>G on the plus strand (T>C on the coding strand, the complement: KCNE1 is on the minus strand). VCF-style: chr21-34449495-A-G. GRCh37 (hg19) VCF-style: chr21-35821793-A-G.
Other names: c.140T>C, p.Val47Ala (NM_001127668.4, NM_001127669.4, NM_001127670.4 and 4 more transcripts); short protein forms V47A.
Identifiers: ClinVar variation 1772002 (VCV001772002.4), dbSNP rs2516764256, ClinGen allele CA410198403.